The following is an entry in ClinVar:

NM_004006.3(DMD):c.2117C>A (p.Pro706Gln)

Gene: DMD (dystrophin; minus strand). Cytogenetic location: Xp21.1.
Variant type: single nucleotide variant.
Coding change: c.2117C>A on transcript NM_004006.3 (MANE Select); coding-DNA position 2117, C replaced by A.
Protein change: p.Pro706Gln; replaces proline 706 with glutamine.
Molecular consequence: missense variant.
Genome position (GRCh38, 1-based): chrX:32,545,210, G>T on the plus strand (C>A on the coding strand, the complement: DMD is on the minus strand). VCF-style: chrX-32545210-G-T. GRCh37 (hg19) VCF-style: chrX-32563327-G-T.
Other names: c.2093C>A, p.Pro698Gln (NM_000109.4); c.2105C>A, p.Pro702Gln (NM_004009.3); c.1748C>A, p.Pro583Gln (NM_004010.3); short protein forms P706Q, P698Q, P583Q, P702Q.
Identifiers: ClinVar variation 191244 (VCV000191244.21), dbSNP rs781015830, ClinGen allele CA236340.

ClinVar aggregate classification (germline): Conflicting classifications of pathogenicity. Review status: criteria provided, conflicting classifications (1 of 4 stars). 9 submissions from 8 submitters: Uncertain significance (5); Likely benign (2). 2 of the submissions do not count toward it. Last evaluated 2025-12-29.

Conditions:
DMD-related disorder. Also called: DMD-related condition.
Cardiovascular phenotype. Identifiers: MedGen CN230736.
Dilated cardiomyopathy 3B (CMD3B). Also called: CMD3B: DMD-Related Dilated Cardiomyopathy; CARDIOMYOPATHY, DILATED, X-LINKED; DMD-Associated Dilated Cardiomyopathy. Identifiers: Orphanet 154, MedGen C3668940, MONDO:0010542, OMIM 302045.
Duchenne muscular dystrophy (DMD). Also called: MUSCULAR DYSTROPHY, PSEUDOHYPERTROPHIC PROGRESSIVE, DUCHENNE TYPE; Duchenne Muscular Dystrophy (DMD). Identifiers: Orphanet 98896, MedGen C0013264, MONDO:0010679, OMIM 310200.

Allele frequency attached by ClinVar (database versions not stated): gnomAD exomes 0.00003 and 0.00007; gnomAD 0.00004 and 0.00003; TOPMed 0.00004; ExAC 0.00003.
gnomAD v4.1: 81 of 1,208,820 alleles (0.0067%); highest among the groups gnomAD compares: Middle Eastern, 0.11%; no homozygotes.

Submissions (9):

Labcorp Genetics (formerly Invitae), Labcorp
Classification: Likely benign for Duchenne muscular dystrophy. Last evaluated: 2025-12-29. Review status: criteria provided, single submitter. Criteria: Invitae Variant Classification Sherloc (09022015). Collection method: clinical testing. Allele origin: germline.

Molecular Diagnostic Laboratory for Inherited Cardiovascular Disease, Montreal Heart Institute
Classification: Uncertain significance for Cardiovascular phenotype. Last evaluated: 2025-04-09. Review status: criteria provided, single submitter. Criteria: ACMG Guidelines, 2015. Collection method: clinical testing. Allele origin: germline. Affected: yes.
Comment: PM2, BP1

Genomic Medicine Center of Excellence, King Faisal Specialist Hospital and Research Centre
Classification: Uncertain significance for Duchenne muscular dystrophy. Last evaluated: 2024-06-08. Review status: criteria provided, single submitter. Criteria: ACMG Guidelines, 2015. Collection method: research. Allele origin: germline. Affected: yes.
Comment: Downgraded variant due to updated local frequency

Ambry Genetics
Classification: Uncertain significance for Cardiovascular phenotype. Last evaluated: 2023-11-20. Review status: criteria provided, single submitter. Criteria: Ambry Variant Classification Scheme 2023. Collection method: clinical testing. Allele origin: germline.
Comment: The p.P706Q variant (also known as c.2117C>A), located in coding exon 17 of the DMD gene, results from a C to A substitution at nucleotide position 2117. The proline at codon 706 is replaced by glutamine, an amino acid with similar properties. Based on data from gnomAD, the A allele has an overall frequency of 0.003% (6/182983) total alleles studied, with 3 hemizygotes observed. The highest observed frequency was 0.01% (2/19059) of South Asian alleles. This amino acid position is well conserved in available vertebrate species. In addition, this alteration is predicted to be tolerated by in silico analysis. Since supporting evidence is limited at this time, the clinical significance of this alteration remains unclear.

Illumina Laboratory Services, Illumina
Classification: Uncertain significance for Dilated cardiomyopathy 3B. Last evaluated: 2018-01-13. Review status: criteria provided, single submitter. Criteria: ICSL Variant Classification Criteria 13 December 2019. Collection method: clinical testing. Allele origin: germline.

GeneDx
Classification: Likely benign. Last evaluated: 2017-10-25. Review status: criteria provided, single submitter. Criteria: GeneDx Variant Classification (06012015). Collection method: clinical testing. Allele origin: germline. Affected: yes.
Comment: This variant is considered likely benign or benign based on one or more of the following criteria: it is a conservative change, it occurs at a poorly conserved position in the protein, it is predicted to be benign by multiple in silico algorithms, and/or has population frequency not consistent with disease.

Eurofins Ntd Llc (ga)
Classification: Uncertain significance. Last evaluated: 2014-06-17. Review status: criteria provided, single submitter. Criteria: EGL Classification Definitions 2015. Collection method: clinical testing. Allele origin: germline. Observed: 1 variant allele, 1 hemizygote.

PreventionGenetics, part of Exact Sciences
Classification: Likely benign for DMD-related condition. Last evaluated: 2023-09-28. Review status: no assertion criteria provided. Collection method: clinical testing. Allele origin: germline. Not counted in ClinVar's aggregate classification.
Comment: This variant is classified as likely benign based on ACMG/AMP sequence variant interpretation guidelines (Richards et al. 2015 PMID: 25741868, with internal and published modifications).

Genomic Medicine Center of Excellence, King Faisal Specialist Hospital and Research Centre
Classification: Likely benign for Duchenne muscular dystrophy. Last evaluated: 2024-03-26. Review status: flagged submission. Criteria: ACMG Guidelines, 2015. Collection method: clinical testing. Allele origin: germline. Not counted in ClinVar's aggregate classification.
ClinVar note: Reason: This record appears to be redundant with a more recent record from the same submitter.
ClinVar note: Notes: SCV004807245 appears to be redundant with SCV000221631.

Literature cited by the submitters: NA (cited by Genomic Medicine Center of Excellence, King Faisal Specialist Hospital and Research Centre).